The following is an entry in ClinVar:

ClinVar aggregate classification (germline): Likely benign (0 of 4 stars; one submission).

Conditions:
DICER1-related disorder. Also called: DICER1-related condition.

Submission:

PreventionGenetics, part of Exact Sciences
Classification: Likely benign for DICER1-related condition. Last evaluated: 2024-05-10. Review status: no assertion criteria provided. Collection method: clinical testing. Allele origin: germline.
Comment: This variant is classified as likely benign based on ACMG/AMP sequence variant interpretation guidelines (Richards et al. 2015 PMID: 25741868, with internal and published modifications).

NM_177438.3(DICER1):c.3471C>G (p.Leu1157=)

Gene: DICER1 (dicer 1, ribonuclease III; minus strand). Cytogenetic location: 14q32.13.
Variant type: single nucleotide variant.
Coding change: c.3471C>G on transcript NM_177438.3 (MANE Select); coding-DNA position 3471, C replaced by G.
Protein change: p.Leu1157=; no amino-acid change (leucine 1157 retained).
Molecular consequence: synonymous variant. On other transcripts: non-coding transcript variant (6).
Genome position (GRCh38, 1-based): chr14:95,103,925, G>C on the plus strand (C>G on the coding strand, the complement: DICER1 is on the minus strand). VCF-style: chr14-95103925-G-C. GRCh37 (hg19) VCF-style: chr14-95570262-G-C.
Other names: c.3471C>G, p.Leu1157= (NM_001195573.1, NM_001271282.3, NM_001291628.2 and 12 more transcripts); c.3189C>G, p.Leu1063= (NM_001395686.1); c.3066C>G, p.Leu1022= (NM_001395687.1, NM_001395688.1, NM_001395689.1 and 2 more transcripts); c.2904C>G, p.Leu968= (NM_001395691.1); c.1788C>G, p.Leu596= (NM_001395697.1).
Identifiers: ClinVar variation 3345377 (VCV003345377.1).
Genomic context (GRCh38, chr14:95,103,925, plus strand): 5'-ACCATTAATTGCTGTAAGATCTGCTGAAACTTCAACGTGGAGCTTACCAGGGGACTCGCT[G>C]AGCAACGTTCTGCAGTTCACAGACATTTGGTCATGATTTTCTAGAGAGGAGGTTCTATTA-3'
Protein context (NP_803187.1, residues 1147-1167): DQMSVNCRTL[Leu1157=]SESPGKLHVE